The following is an entry in ClinVar:

ClinVar aggregate classification (germline): Uncertain significance. Review status: criteria provided, multiple submitters, no conflicts (2 of 4 stars). 3 submissions from 3 submitters: Uncertain significance (3). Last evaluated 2025-04-24.

Allele frequency attached by ClinVar (database versions not stated): gnomAD 0.00001; gnomAD exomes 0.00001; TOPMed 0.00001; ExAC 0.00002.

Submissions (3):

Labcorp Genetics (formerly Invitae), Labcorp
Classification: Uncertain significance. Last evaluated: 2025-04-24. Review status: criteria provided, single submitter. Criteria: Invitae Variant Classification Sherloc (09022015). Collection method: clinical testing. Allele origin: germline.
Comment: This sequence change replaces proline, which is neutral and non-polar, with serine, which is neutral and polar, at codon 230 of the COL9A2 protein (p.Pro230Ser). This variant is present in population databases (rs763700283, gnomAD 0.003%). This variant has not been reported in the literature in individuals affected with COL9A2-related conditions. ClinVar contains an entry for this variant (Variation ID: 502124). Invitae Evidence Modeling of protein sequence and biophysical properties (such as structural, functional, and spatial information, amino acid conservation, physicochemical variation, residue mobility, and thermodynamic stability) indicates that this missense variant is not expected to disrupt COL9A2 protein function with a negative predictive value of 95%. In summary, the available evidence is currently insufficient to determine the role of this variant in disease. Therefore, it has been classified as a Variant of Uncertain Significance.

Blueprint Genetics
Classification: Uncertain significance. Last evaluated: 2023-05-30. Review status: criteria provided, single submitter. Criteria: ACMG Guidelines, 2015. Collection method: clinical testing. Allele origin: germline.

Eurofins Ntd Llc (ga)
Classification: Uncertain significance. Last evaluated: 2017-05-26. Review status: criteria provided, single submitter. Criteria: EGL Classification Definitions 2015. Collection method: clinical testing. Allele origin: germline. Observed: 2 variant alleles, 2 heterozygotes.

NM_001852.4(COL9A2):c.688C>T (p.Pro230Ser)

Gene: COL9A2 (collagen type IX alpha 2 chain; minus strand). Cytogenetic location: 1p34.2.
Variant type: single nucleotide variant.
Coding change: c.688C>T on transcript NM_001852.4 (MANE Select); coding-DNA position 688, C replaced by T.
Protein change: p.Pro230Ser; replaces proline 230 with serine.
Molecular consequence: missense variant.
Genome position (GRCh38, 1-based): chr1:40,310,314, G>A on the plus strand (C>T on the coding strand, the complement: COL9A2 is on the minus strand). VCF-style: chr1-40310314-G-A. GRCh37 (hg19) VCF-style: chr1-40775986-G-A.
Other names: short protein forms P230S.
Identifiers: ClinVar variation 502124 (VCV000502124.9), dbSNP rs763700283, ClinGen allele CA791798.